The following is an entry in ClinVar:

ClinVar aggregate classification (germline): Uncertain significance. Review status: criteria provided, multiple submitters, no conflicts (2 of 4 stars). 2 submissions from 2 submitters: Uncertain significance (2). Last evaluated 2025-08-07.

Conditions:
Inborn genetic diseases. Identifiers: MedGen C0950123, MeSH D030342.
Charcot-Marie-Tooth disease type 2. Also called: Charcot-Marie-Tooth type 2. Identifiers: Orphanet 64746, MedGen C0270914, MONDO:0018993.

Allele frequency attached by ClinVar (database versions not stated): TOPMed 0.00002.

Submissions (2):

Ambry Genetics
Classification: Uncertain significance for Inborn genetic diseases. Last evaluated: 2025-08-07. Review status: criteria provided, single submitter. Criteria: Ambry Variant Classification Scheme 2023. Collection method: clinical testing. Allele origin: germline.

Labcorp Genetics (formerly Invitae), Labcorp
Classification: Uncertain significance for Charcot-Marie-Tooth disease type 2. Last evaluated: 2022-07-19. Review status: criteria provided, single submitter. Criteria: Invitae Variant Classification Sherloc (09022015). Collection method: clinical testing. Allele origin: germline.
Comment: This sequence change replaces methionine, which is neutral and non-polar, with isoleucine, which is neutral and non-polar, at codon 559 of the MED25 protein (p.Met559Ile). The frequency data for this variant in the population databases is considered unreliable, as metrics indicate poor data quality at this position in the gnomAD database. This variant has not been reported in the literature in individuals affected with MED25-related conditions. ClinVar contains an entry for this variant (Variation ID: 476801). Algorithms developed to predict the effect of missense changes on protein structure and function output the following: SIFT: "Deleterious"; PolyPhen-2: "Benign"; Align-GVGD: "Class C0". The isoleucine amino acid residue is found in multiple mammalian species, which suggests that this missense change does not adversely affect protein function. Algorithms developed to predict the effect of sequence changes on RNA splicing suggest that this variant may create or strengthen a splice site. In summary, the available evidence is currently insufficient to determine the role of this variant in disease. Therefore, it has been classified as a Variant of Uncertain Significance.

NM_030973.4(MED25):c.1677G>A (p.Met559Ile)

Gene: MED25 (mediator complex subunit 25; plus strand). Cytogenetic location: 19q13.33.
Variant type: single nucleotide variant.
Coding change: c.1677G>A on transcript NM_030973.4 (MANE Select); coding-DNA position 1677, G replaced by A.
Protein change: p.Met559Ile; replaces methionine 559 with isoleucine.
Molecular consequence: missense variant.
Genome position (GRCh38, 1-based): chr19:49,835,536, G>A. VCF-style: chr19-49835536-G-A. GRCh37 (hg19) VCF-style: chr19-50338793-G-A.
Other names: c.1677G>A, p.Met559Ile (NM_001378355.1); short protein forms M559I.
Identifiers: ClinVar variation 476801 (VCV000476801.7), dbSNP rs369006637, ClinGen allele CA406919383.